The following is an entry in ClinVar:

ClinVar aggregate classification (germline): Uncertain significance. Review status: criteria provided, multiple submitters, no conflicts (2 of 4 stars). 4 submissions from 4 submitters: Uncertain significance (4). Last evaluated 2026-08-22.

Conditions:
Aortic aneurysm, familial thoracic 4 (AAT4). Also called: AORTIC ANEURYSM/AORTIC DISSECTION AND PATENT DUCTUS ARTERIOSUS. Identifiers: MedGen C1851504, MONDO:0007568, OMIM 132900.
Familial thoracic aortic aneurysm and aortic dissection (TAAD). Also called: Thoracic aortic aneurysms and dissections. Identifiers: Orphanet 91387, MedGen C4707243, MONDO:0019625.

Allele frequency attached by ClinVar (database versions not stated): gnomAD exomes below 0.00001; gnomAD 0.00001.
gnomAD v4.1: 4 of 1,613,470 alleles (0.00025%); highest among the groups gnomAD compares: Non-Finnish European, 0.00034%; no homozygotes.

Submissions (4):

Ambry Genetics
Classification: Uncertain significance for Familial thoracic aortic aneurysm and aortic dissection. Last evaluated: 2026-08-22. Review status: criteria provided, single submitter. Criteria: Ambry Variant Classification Scheme 2023. Collection method: clinical testing. Allele origin: germline.
Comment: The p.A1714T variant (also known as c.5140G>A), located in coding exon 35 of the MYH11 gene, results from a G to A substitution at nucleotide position 5140. The alanine at codon 1714 is replaced by threonine, an amino acid with similar properties. This amino acid position is conserved. In addition, this alteration is predicted to be tolerated by in silico analysis. Based on the available evidence, the clinical significance of this variant remains unclear.

Color Diagnostics, LLC DBA Color Health
Classification: Uncertain significance for Familial thoracic aortic aneurysm and aortic dissection. Last evaluated: 2024-03-07. Review status: criteria provided, single submitter. Criteria: ACMG Guidelines, 2015. Collection method: clinical testing. Allele origin: germline.
Comment: This missense variant replaces alanine with threonine at codon 1721 of the MYH11 protein. Computational prediction suggests that this variant may not impact protein structure and function (internally defined REVEL score threshold <= 0.5, PMID: 27666373). To our knowledge, functional studies have not been reported for this variant. This variant has not been reported in individuals affected with MYH11-related disorders in the literature. This variant has been identified in 1/251044 chromosomes in the general population by the Genome Aggregation Database (gnomAD). The available evidence is insufficient to determine the role of this variant in disease conclusively. Therefore, this variant is classified as a Variant of Uncertain Significance.

All of Us Research Program, National Institutes of Health
Classification: Uncertain significance for Familial thoracic aortic aneurysm and aortic dissection. Last evaluated: 2023-12-13. Review status: criteria provided, single submitter. Criteria: ACMG Guidelines, 2015. Collection method: clinical testing. Allele origin: germline. Inheritance: Autosomal dominant inheritance. Observed: 8 variant alleles, 8 heterozygotes.
Comment: This missense variant replaces alanine with threonine at codon 1721 of the MYH11 protein. Computational prediction suggests that this variant may not impact protein structure and function (internally defined REVEL score threshold <= 0.5, PMID: 27666373). To our knowledge, functional studies have not been reported for this variant. This variant has not been reported in individuals affected with cardiovascular disorders in the literature. This variant has been identified in 1/251044 chromosomes in the general population by the Genome Aggregation Database (gnomAD). The available evidence is insufficient to determine the role of this variant in disease conclusively. Therefore, this variant is classified as a Variant of Uncertain Significance.

This study involves interpretation of variants in research participants for the purpose of population health screening. Participant phenotype was not available at the time of variant classification. Additional details can be found in publication PMID: 35346344, PMCID: PMC8962531

Labcorp Genetics (formerly Invitae), Labcorp
Classification: Uncertain significance for Aortic aneurysm, familial thoracic 4. Last evaluated: 2023-10-13. Review status: criteria provided, single submitter. Criteria: Invitae Variant Classification Sherloc (09022015). Collection method: clinical testing. Allele origin: germline.
Comment: This sequence change replaces alanine, which is neutral and non-polar, with threonine, which is neutral and polar, at codon 1721 of the MYH11 protein (p.Ala1721Thr). The frequency data for this variant in the population databases is considered unreliable, as metrics indicate poor data quality at this position in the gnomAD database. This variant has not been reported in the literature in individuals affected with MYH11-related conditions. ClinVar contains an entry for this variant (Variation ID: 1381576). Advanced modeling of protein sequence and biophysical properties (such as structural, functional, and spatial information, amino acid conservation, physicochemical variation, residue mobility, and thermodynamic stability) performed at Invitae indicates that this missense variant is not expected to disrupt MYH11 protein function. In summary, the available evidence is currently insufficient to determine the role of this variant in disease. Therefore, it has been classified as a Variant of Uncertain Significance.

NM_002474.3(MYH11):c.5140G>A (p.Ala1714Thr)

Genes: MYH11 (myosin heavy chain 11; minus strand), NDE1 (nudE neurodevelopment protein 1; plus strand). Cytogenetic location: 16p13.11.
Variant type: single nucleotide variant.
Coding change: c.5140G>A on transcript NM_002474.3 (MANE Select); coding-DNA position 5140, G replaced by A.
Protein change: p.Ala1714Thr; replaces alanine 1714 with threonine.
Molecular consequence: missense variant. On other transcripts: intron variant (2).
Genome position (GRCh38, 1-based): chr16:15,719,251, C>T on the plus strand (G>A on the coding strand, the complement: MYH11 is on the minus strand). VCF-style: chr16-15719251-C-T. GRCh37 (hg19) VCF-style: chr16-15813108-C-T.
Other names: c.5140G>A (NM_002474.2); c.5161G>A, p.Ala1721Thr (NM_001040113.2, NM_001040114.2); c.5140G>A, p.Ala1714Thr (NM_022844.3); c.948-4940C>T (NM_001143979.2, NM_017668.3); short protein forms A1714T, A1721T.
Identifiers: ClinVar variation 1381576 (VCV001381576.10), dbSNP rs1344059916, ClinGen allele CA394850773.